The following is an entry in ClinVar:

NM_002299.4(LCT):c.5404A>G (p.Thr1802Ala)

Gene: LCT (lactase; minus strand). Cytogenetic location: 2q21.3.
Variant type: single nucleotide variant.
Coding change: c.5404A>G on transcript NM_002299.4 (MANE Select); coding-DNA position 5404, A replaced by G.
Protein change: p.Thr1802Ala; replaces threonine 1802 with alanine.
Molecular consequence: missense variant.
Genome position (GRCh38, 1-based): chr2:135,789,730, T>C on the plus strand (A>G on the coding strand, the complement: LCT is on the minus strand). VCF-style: chr2-135789730-T-C. GRCh37 (hg19) VCF-style: chr2-136547300-T-C.
Other names: c.5404A>G (NM_002299.2); short protein forms T1802A.
Identifiers: ClinVar variation 1393156 (VCV001393156.4), dbSNP rs772144392, ClinGen allele CA1887617.
Genomic context (GRCh38, chr2:135,789,730, plus strand): 5'-TTGGCAGAGAAGGGTCACTGTAGTTCACAAAATGCAGACCAAATCTCTCTGAAAAGCCTG[T>C]GGCCCACTCAAAATTGTCCATCGCACTCCAAACTGTGTATCCTCGAAGGTCCACCTTGTC-3'
Protein context (NP_002290.2, residues 1792-1812): WSAMDNFEWA[Thr1802Ala]GFSERFGLHF

ClinVar aggregate classification (germline): Uncertain significance. Review status: criteria provided, multiple submitters, no conflicts (2 of 4 stars). 2 submissions from 2 submitters: Uncertain significance (2). Last evaluated 2022-05-18.

Conditions:
Inborn genetic diseases. Identifiers: MedGen C0950123, MeSH D030342.

Allele frequency attached by ClinVar (database versions not stated): ExAC 0.00001; gnomAD exomes 0.00003 and 0.00007; TOPMed 0.00014; gnomAD 0.00017.
gnomAD v4.1: 66 of 1,614,112 alleles (0.0041%); highest among the groups gnomAD compares: Admixed American, 0.11%; no homozygotes.

Submissions (2):

Labcorp Genetics (formerly Invitae), Labcorp
Classification: Uncertain significance. Last evaluated: 2022-05-18. Review status: criteria provided, single submitter. Criteria: Invitae Variant Classification Sherloc (09022015). Collection method: clinical testing. Allele origin: germline.
Comment: This sequence change replaces threonine, which is neutral and polar, with alanine, which is neutral and non-polar, at codon 1802 of the LCT protein (p.Thr1802Ala). This variant is present in population databases (rs772144392, gnomAD 0.05%). This variant has not been reported in the literature in individuals affected with LCT-related conditions. Algorithms developed to predict the effect of missense changes on protein structure and function output the following: SIFT: "Not Available"; PolyPhen-2: "Benign"; Align-GVGD: "Not Available". The alanine amino acid residue is found in multiple mammalian species, which suggests that this missense change does not adversely affect protein function. In summary, the available evidence is currently insufficient to determine the role of this variant in disease. Therefore, it has been classified as a Variant of Uncertain Significance.

Ambry Genetics
Classification: Uncertain significance for Inborn genetic diseases. Last evaluated: 2021-09-09. Review status: criteria provided, single submitter. Criteria: Ambry Variant Classification Scheme 2023. Collection method: clinical testing. Allele origin: germline.